The following is an entry in ClinVar:

ClinVar aggregate classification (germline): Benign/Likely benign. Review status: criteria provided, multiple submitters, no conflicts (2 of 4 stars). 3 submissions from 3 submitters: Benign (1); Likely benign (2). Last evaluated 2026-04-30.

Conditions:
Colorectal cancer, hereditary nonpolyposis, type 7. Identifiers: Orphanet 144, MedGen C1858380, MONDO:0013725, OMIM 614385.

Allele frequency attached by ClinVar (database versions not stated): ExAC 0.00001; gnomAD exomes below 0.00001 and 0.00001; gnomAD 0.00001.
gnomAD v4.1: 10 of 1,613,218 alleles (0.00062%); highest among the groups gnomAD compares: Non-Finnish European, 0.00076%; no homozygotes.

Submissions (3):

Myriad Genetics, Inc.
Classification: Benign for Colorectal cancer, hereditary nonpolyposis, type 7. Last evaluated: 2026-04-30. Review status: criteria provided, single submitter. Criteria: Myriad Autosomal Dominant, Autosomal Recessive and X-Linked Classification Criteria (2023). Collection method: clinical testing. Allele origin: unknown.
Comment: This variant is considered benign. This variant is a silent/synonymous amino acid change and it is not expected to impact splicing.

Ambry Genetics
Classification: Likely benign. Last evaluated: 2023-11-17. Review status: criteria provided, single submitter. Criteria: Ambry Variant Classification Scheme 2023. Collection method: clinical testing. Allele origin: germline.

Labcorp Genetics (formerly Invitae), Labcorp
Classification: Likely benign for Colorectal cancer, hereditary nonpolyposis, type 7. Last evaluated: 2021-09-20. Review status: criteria provided, single submitter. Criteria: Invitae Variant Classification Sherloc (09022015). Collection method: clinical testing. Allele origin: germline.

NM_001040108.2(MLH3):c.1761T>C (p.Ser587=)

Gene: MLH3 (mutL homolog 3; minus strand). Cytogenetic location: 14q24.3.
Variant type: single nucleotide variant.
Coding change: c.1761T>C on transcript NM_001040108.2 (MANE Select); coding-DNA position 1761, T replaced by C.
Protein change: p.Ser587=; no amino-acid change (serine 587 retained).
Molecular consequence: synonymous variant.
Genome position (GRCh38, 1-based): chr14:75,047,895, A>G on the plus strand (T>C on the coding strand, the complement: MLH3 is on the minus strand). VCF-style: chr14-75047895-A-G. GRCh37 (hg19) VCF-style: chr14-75514598-A-G.
Other names: c.1761T>C (NM_001040108.1); c.1761T>C, p.Ser587= (NM_014381.3).
Identifiers: ClinVar variation 1638629 (VCV001638629.10), dbSNP rs763313215, ClinGen allele CA7275821.